The following is an entry in ClinVar:

NM_000782.5(CYP24A1):c.217A>T (p.Ile73Phe)

Gene: CYP24A1 (cytochrome P450 family 24 subfamily A member 1; minus strand). Cytogenetic location: 20q13.2.
Variant type: single nucleotide variant.
Coding change: c.217A>T on transcript NM_000782.5 (MANE Select); coding-DNA position 217, A replaced by T.
Protein change: p.Ile73Phe; replaces isoleucine 73 with phenylalanine.
Molecular consequence: missense variant.
Genome position (GRCh38, 1-based): chr20:54,173,363, T>A on the plus strand (A>T on the coding strand, the complement: CYP24A1 is on the minus strand). VCF-style: chr20-54173363-T-A. GRCh37 (hg19) VCF-style: chr20-52789902-T-A.
Other names: c.217A>T, p.Ile73Phe (NM_001128915.2); short protein forms I73F.
Identifiers: ClinVar variation 338836 (VCV000338836.15), dbSNP rs201820243, ClinGen allele CA9916252.

ClinVar aggregate classification (germline): Conflicting classifications of pathogenicity. Review status: criteria provided, conflicting classifications (1 of 4 stars). 3 submissions from 3 submitters: Uncertain significance (1); Likely benign (1). 1 of the submissions does not count toward it. Last evaluated 2025-10-31.

Conditions:
Hypercalcemia, infantile, 1 (HCINF1). Identifiers: Orphanet 300547, MedGen CN031131, MONDO:0020739, OMIM 143880.
CYP24A1-related disorder. Also called: CYP24A1-related condition.

Allele frequency attached by ClinVar (database versions not stated): gnomAD 0.00007 and 0.00011; ESP Exome Variant Server 0.00008; TOPMed 0.00008; gnomAD exomes 0.00016 and 0.00031; ExAC 0.00044; 1000 Genomes Project 30x 0.00047; 1000 Genomes Project 0.00060.
gnomAD v4.1: 257 of 1,604,824 alleles (0.016%); highest among the groups gnomAD compares: South Asian, 0.13%; no homozygotes.

Submissions (3):

Labcorp Genetics (formerly Invitae), Labcorp
Classification: Likely benign. Last evaluated: 2025-10-31. Review status: criteria provided, single submitter. Criteria: Invitae Variant Classification Sherloc (09022015). Collection method: clinical testing. Allele origin: germline.

Illumina Laboratory Services, Illumina
Classification: Uncertain significance for Hypercalcemia, infantile, 1. Last evaluated: 2018-01-13. Review status: criteria provided, single submitter. Criteria: ICSL Variant Classification Criteria 13 December 2019. Collection method: clinical testing. Allele origin: germline.

PreventionGenetics, part of Exact Sciences
Classification: Likely benign for CYP24A1-related condition. Last evaluated: 2024-07-17. Review status: no assertion criteria provided. Collection method: clinical testing. Allele origin: germline. Not counted in ClinVar's aggregate classification.
Comment: This variant is classified as likely benign based on ACMG/AMP sequence variant interpretation guidelines (Richards et al. 2015 PMID: 25741868, with internal and published modifications).